The following is an entry in ClinVar:

NC_000019.9:g.(?_36556840)_(36564453_?)del

Gene: WDR62 (WD repeat domain 62; plus strand). Cytogenetic location: 19q13.12.
Variant type: Deletion.
Identifiers: ClinVar variation 3242662 (VCV003242662.1).

ClinVar aggregate classification (germline): Pathogenic (1 of 4 stars; one submission).

Submission:

Labcorp Genetics (formerly Invitae), Labcorp
Classification: Pathogenic. Last evaluated: 2023-08-29. Review status: criteria provided, single submitter. Criteria: Invitae Variant Classification Sherloc (09022015). Collection method: clinical testing. Allele origin: unknown.
Comment: This variant is a gross deletion of the genomic region encompassing exon(s) 4-9 of the WDR62 gene. This deletion is out-of-frame, and is expected to create a premature termination codon and result in an absent or disrupted protein product. Loss-of-function variants in WDR62 are known to be pathogenic (PMID: 20729831). This variant has not been reported in the literature in individuals affected with WDR62-related conditions. For these reasons, this variant has been classified as Pathogenic.

Literature cited by the submitters: PubMed 20729831.